The following is an entry in ClinVar:

NM_001041.4(SI):c.483+2T>C

Gene: SI (sucrase-isomaltase; minus strand). Cytogenetic location: 3q26.1.
Variant type: single nucleotide variant.
Coding change: c.483+2T>C on transcript NM_001041.4 (MANE Select); the canonical splice donor site of the intron after coding-DNA position 483, T replaced by C.
Molecular consequence: splice donor variant.
Genome position (GRCh38, 1-based): chr3:165,068,720, A>G on the plus strand (T>C on the coding strand, the complement: SI is on the minus strand). VCF-style: chr3-165068720-A-G. GRCh37 (hg19) VCF-style: chr3-164786508-A-G.
Identifiers: ClinVar variation 2725967 (VCV002725967.3), dbSNP rs1560017341, ClinGen allele CA355034726.

ClinVar aggregate classification (germline): Likely pathogenic (1 of 4 stars; one submission).

Allele frequency attached by ClinVar (database versions not stated): TOPMed below 0.00001.

Submission:

Labcorp Genetics (formerly Invitae), Labcorp
Classification: Likely pathogenic. Last evaluated: 2023-10-18. Review status: criteria provided, single submitter. Criteria: Invitae Variant Classification Sherloc (09022015). Collection method: clinical testing. Allele origin: germline.
Comment: This sequence change affects a donor splice site in intron 5 of the SI gene. It is expected to disrupt RNA splicing. Variants that disrupt the donor or acceptor splice site typically lead to a loss of protein function (PMID: 16199547), and loss-of-function variants in SI are known to be pathogenic (PMID: 16329100, 23103650, 25452324). This variant is not present in population databases (gnomAD no frequency). This variant has not been reported in the literature in individuals affected with SI-related conditions. Algorithms developed to predict the effect of sequence changes on RNA splicing suggest that this variant may disrupt the consensus splice site. In summary, the currently available evidence indicates that the variant is pathogenic, but additional data are needed to prove that conclusively. Therefore, this variant has been classified as Likely Pathogenic.

Literature cited by the submitters: PubMed 16199547; PubMed 16329100; PubMed 23103650; PubMed 25452324.